The following is an entry in ClinVar:

ClinVar aggregate classification (germline): Conflicting classifications of pathogenicity. Review status: criteria provided, conflicting classifications (1 of 4 stars). 2 submissions from 2 submitters: Uncertain significance (1); Likely benign (1). Last evaluated 2025-02-25.

Conditions:
Inborn genetic diseases. Identifiers: MedGen C0950123, MeSH D030342.

Allele frequency attached by ClinVar (database versions not stated): ExAC 0.00001; gnomAD exomes 0.00001 and 0.00003; TOPMed 0.00002; ESP Exome Variant Server 0.00008.
gnomAD v4.1: 49 of 1,614,054 alleles (0.003%); highest among the groups gnomAD compares: Non-Finnish European, 0.004%; no homozygotes.

Submissions (2):

Labcorp Genetics (formerly Invitae), Labcorp
Classification: Uncertain significance. Last evaluated: 2025-02-25. Review status: criteria provided, single submitter. Criteria: Invitae Variant Classification Sherloc (09022015). Collection method: clinical testing. Allele origin: germline.
Comment: This sequence change replaces isoleucine, which is neutral and non-polar, with methionine, which is neutral and non-polar, at codon 126 of the RORB protein (p.Ile126Met). This variant is present in population databases (rs373678130, gnomAD 0.003%). This variant has not been reported in the literature in individuals affected with RORB-related conditions. ClinVar contains an entry for this variant (Variation ID: 1364016). An algorithm developed to predict the effect of missense changes on protein structure and function (PolyPhen-2) suggests that this variant is likely to be tolerated. In summary, the available evidence is currently insufficient to determine the role of this variant in disease. Therefore, it has been classified as a Variant of Uncertain Significance.

Ambry Genetics
Classification: Likely benign for Inborn genetic diseases. Last evaluated: 2021-12-02. Review status: criteria provided, single submitter. Criteria: Ambry Variant Classification Scheme 2023. Collection method: clinical testing. Allele origin: germline.

NM_006914.4(RORB):c.378T>G (p.Ile126Met)

Gene: RORB (RAR related orphan receptor B; plus strand). Cytogenetic location: 9q21.13.
Variant type: single nucleotide variant.
Coding change: c.378T>G on transcript NM_006914.4 (MANE Select); coding-DNA position 378, T replaced by G.
Protein change: p.Ile126Met; replaces isoleucine 126 with methionine.
Molecular consequence: missense variant.
Genome position (GRCh38, 1-based): chr9:74,642,556, T>G. VCF-style: chr9-74642556-T-G. GRCh37 (hg19) VCF-style: chr9-77257472-T-G.
Other names: c.411T>G, p.Ile137Met (NM_001365023.1); c.378T>G (NM_006914.3); short protein forms I137M, I126M.
Identifiers: ClinVar variation 1364016 (VCV001364016.9), dbSNP rs373678130, ClinGen allele CA5083355.